The following is an entry in ClinVar:

NM_003055.3(SLC18A3):c.1435C>G (p.Arg479Gly)

Genes: CHAT (choline O-acetyltransferase; plus strand), SLC18A3 (solute carrier family 18 member A3; plus strand). Cytogenetic location: 10q11.23.
Variant type: single nucleotide variant.
Coding change: c.1435C>G on transcript NM_003055.3 (MANE Select); coding-DNA position 1435, C replaced by G.
Protein change: p.Arg479Gly; replaces arginine 479 with glycine.
Molecular consequence: missense variant. On other transcripts: intron variant (1).
Genome position (GRCh38, 1-based): chr10:49,612,175, C>G. VCF-style: chr10-49612175-C-G. GRCh37 (hg19) VCF-style: chr10-50820221-C-G.
Other names: c.-69+2976C>G (NM_020984.4); short protein forms R479G.
Identifiers: ClinVar variation 1503785 (VCV001503785.5), dbSNP rs1290953438, ClinGen allele CA376723382.

ClinVar aggregate classification (germline): Uncertain significance (1 of 4 stars; one submission).

gnomAD v4.1: 9 of 1,610,274 alleles (0.00056%); highest among the groups gnomAD compares: Admixed American, 0.0017%; no homozygotes.

Submission:

Labcorp Genetics (formerly Invitae), Labcorp
Classification: Uncertain significance. Last evaluated: 2022-01-27. Review status: criteria provided, single submitter. Criteria: Invitae Variant Classification Sherloc (09022015). Collection method: clinical testing. Allele origin: germline.
Comment: In summary, the available evidence is currently insufficient to determine the role of this variant in disease. Therefore, it has been classified as a Variant of Uncertain Significance. Algorithms developed to predict the effect of missense changes on protein structure and function (SIFT, PolyPhen-2, Align-GVGD) all suggest that this variant is likely to be tolerated. This variant has not been reported in the literature in individuals affected with SLC18A3-related conditions. This variant is present in population databases (no rsID available, gnomAD 0.003%). This sequence change replaces arginine, which is basic and polar, with glycine, which is neutral and non-polar, at codon 479 of the SLC18A3 protein (p.Arg479Gly).